The following is an entry in ClinVar:

NM_000384.3(APOB):c.2708C>T (p.Thr903Ile)

Gene: APOB (apolipoprotein B; minus strand). Cytogenetic location: 2p24.1.
Variant type: single nucleotide variant.
Coding change: c.2708C>T on transcript NM_000384.3 (MANE Select); coding-DNA position 2708, C replaced by T.
Protein change: p.Thr903Ile; replaces threonine 903 with isoleucine.
Molecular consequence: missense variant.
Genome position (GRCh38, 1-based): chr2:21,022,939, G>A on the plus strand (C>T on the coding strand, the complement: APOB is on the minus strand). VCF-style: chr2-21022939-G-A. GRCh37 (hg19) VCF-style: chr2-21245811-G-A.
Other names: short protein forms T903I.
Identifiers: ClinVar variation 4783936 (VCV004783936.1).
Genomic context (GRCh38, chr2:21,022,939, plus strand): 5'-TTCAGCTTCCCAGCTTTTAGGGCAACATGAGCCTCCAGACCCGACTCGTGGAAGAAGTTG[G>A]TGTTCATCTGGACCCCACTCCTAGCGAAGTCCGGAATGATGATGCCCATATTTGTCACAA-3'
Protein context (NP_000375.3, residues 893-913): DFARSGVQMN[Thr903Ile]NFFHESGLEA

ClinVar aggregate classification (germline): Uncertain significance (1 of 4 stars; one submission).

Conditions:
Familial hypobetalipoproteinemia 1. Also called: APOB-Related Familial Hypobetalipoproteinemia; Hypobetalipoproteinemia, normotriglyceridemic; Acanthocytosis with hypobetalipoproteinemia. Identifiers: MedGen C4551990, MONDO:0014252, OMIM 615558.
Hypercholesterolemia, autosomal dominant, type B (FHCL2). Also called: APOB-Related Familial Hypercholesterolemia, Autosomal Dominant; Familial hypercholesterolemia 2; Familial Hypercholesterolemia Type B; APOLIPOPROTEIN B-100, FAMILIAL DEFECTIVE; APOLIPOPROTEIN B-100, FAMILIAL LIGAND-DEFECTIVE; HYPERCHOLESTEROLEMIA, FAMILIAL, DUE TO LIGAND-DEFECTIVE APOLIPOPROTEIN B. Identifiers: MedGen C1704417, MONDO:0007751, OMIM 144010.

Submission:

Labcorp Genetics (formerly Invitae), Labcorp
Classification: Uncertain significance for Familial hypobetalipoproteinemia 1; Hypercholesterolemia, autosomal dominant, type B. Last evaluated: 2025-09-27. Review status: criteria provided, single submitter. Criteria: Invitae Variant Classification Sherloc (09022015). Collection method: clinical testing. Allele origin: germline.
Comment: This sequence change replaces threonine, which is neutral and polar, with isoleucine, which is neutral and non-polar, at codon 903 of the APOB protein (p.Thr903Ile). This variant is not present in population databases (gnomAD no frequency). This variant has not been reported in the literature in individuals affected with APOB-related conditions. Invitae Evidence Modeling of protein sequence and biophysical properties (such as structural, functional, and spatial information, amino acid conservation, physicochemical variation, residue mobility, and thermodynamic stability) indicates that this missense variant is not expected to disrupt APOB protein function with a negative predictive value of 95%. In summary, the available evidence is currently insufficient to determine the role of this variant in disease. Therefore, it has been classified as a Variant of Uncertain Significance.